The following is an entry in ClinVar:

NM_003482.4(KMT2D):c.15460C>T (p.Arg5154Trp)

Gene: KMT2D (lysine methyltransferase 2D; minus strand). Cytogenetic location: 12q13.12.
Variant type: single nucleotide variant.
Coding change: c.15460C>T on transcript NM_003482.4 (MANE Select); coding-DNA position 15460, C replaced by T.
Protein change: p.Arg5154Trp; replaces arginine 5154 with tryptophan.
Molecular consequence: missense variant.
Genome position (GRCh38, 1-based): chr12:49,026,506, G>A on the plus strand (C>T on the coding strand, the complement: KMT2D is on the minus strand). VCF-style: chr12-49026506-G-A. GRCh37 (hg19) VCF-style: chr12-49420289-G-A.
Other names: short protein forms R5154W.
Identifiers: ClinVar variation 2579159 (VCV002579159.4), dbSNP rs768551828, ClinGen allele CA6545563.

ClinVar aggregate classification (germline): Conflicting classifications of pathogenicity. Review status: criteria provided, conflicting classifications (1 of 4 stars). 3 submissions from 3 submitters: Likely pathogenic (2); Uncertain significance (1). Last evaluated 2023-09-21.

Conditions:
Kabuki syndrome 1 (KABUK1). Also called: KMT2D-Related Kabuki Syndrome. Identifiers: Orphanet 2322, MedGen CN030661, MONDO:0007843, OMIM 147920.
Choanal atresia-athelia-hypothyroidism-delayed puberty-short stature syndrome (BCAHH). Also called: BRANCHIAL ARCH ABNORMALITIES, CHOANAL ATRESIA, ATHELIA, HEARING LOSS, AND HYPOTHYROIDISM SYNDROME. Identifiers: Orphanet 589856, MedGen C5680310, MONDO:0035651, OMIM 620186.

gnomAD v4.1: 1 of 1,613,870 alleles (0.000062%); highest among the groups gnomAD compares: Non-Finnish European, 0.000085%; no homozygotes.

Submissions (3):

3billion
Classification: Uncertain significance for Kabuki syndrome 1. Last evaluated: 2023-09-21. Review status: criteria provided, single submitter. Criteria: ACMG Guidelines, 2015. Collection method: clinical testing. Allele origin: germline. Affected: yes.
Comment: The variant is not observed in the gnomAD v2.1.1 dataset. Predicted Consequence/Location: Protein truncation variants are a common disease-causing mechanism. In silico tool predictions suggest damaging effect of the variant on gene or gene product [REVEL: 0.70 (>=0.6, sensitivity 0.68 and specificity 0.92); 3Cnet: 0.90 (>=0.6, sensitivity 0.72 and precision 0.9)]. A different missense change at the same codon (p.Arg5154Gln) has been reported as pathogenic/likely pathogenic with strong evidence (ClinVar ID: VCV000286834 /PMID: 21607748). Therefore, this variant is classified as VUS according to the recommendation of ACMG/AMP guideline.

MVZ Martinsried, Medicover Genetics
Classification: Likely pathogenic for Kabuki syndrome 1. Last evaluated: 2023-07-18. Review status: criteria provided, single submitter. Criteria: ACGS Guidelines, 2020. Collection method: clinical testing. Allele origin: de novo. Affected: yes.

Juno Genomics, Hangzhou Juno Genomics, Inc
Classification: Likely pathogenic for Choanal atresia-athelia-hypothyroidism-delayed puberty-short stature syndrome; Kabuki syndrome 1. Review status: criteria provided, single submitter. Criteria: ACMG Guidelines, 2015. Collection method: clinical testing. Allele origin: germline. Affected: yes.
Comment: Absent from controls (or at extremely low frequency if recessive) in Genome Aggregation Database, Exome Sequencing Project, 1000 Genomes Project, or Exome Aggregation Consortium.;Multiple lines of computational evidence support a deleterious effect on the gene or gene product (conservation, evolutionary, splicing impact, etc).;Missense variant in a gene that has a low rate of benign missense variation and where missense variants are a common mechanism of disease.;Novel missense change at an amino acid residue where a different missense change determined to be pathogenic has been seen before.;Assumed de novo, but without confirmation of paternity and maternity.

Literature cited by the submitters: PubMed 21607748 (cited by 3billion).